The following is an entry in ClinVar:

NM_007126.5(VCP):c.2222G>A (p.Arg741His)

Gene: VCP (valosin containing protein; minus strand). Cytogenetic location: 9p13.3.
Variant type: single nucleotide variant.
Coding change: c.2222G>A on transcript NM_007126.5 (MANE Select); coding-DNA position 2222, G replaced by A.
Protein change: p.Arg741His; replaces arginine 741 with histidine.
Molecular consequence: missense variant.
Genome position (GRCh38, 1-based): chr9:35,057,469, C>T on the plus strand (G>A on the coding strand, the complement: VCP is on the minus strand). VCF-style: chr9-35057469-C-T. GRCh37 (hg19) VCF-style: chr9-35057466-C-T.
Other names: c.2087G>A, p.Arg696His (NM_001354927.2, NM_001354928.2); short protein forms R696H, R741H.
Identifiers: ClinVar variation 1787954 (VCV001787954.4), dbSNP rs760411781, ClinGen allele CA5039094.

ClinVar aggregate classification (germline): Uncertain significance. Review status: criteria provided, multiple submitters, no conflicts (2 of 4 stars). 2 submissions from 2 submitters: Uncertain significance (2). Last evaluated 2025-01-06.

Conditions:
Inclusion body myopathy with Paget disease of bone and frontotemporal dementia. Also called: Inclusion body myopathy with early-onset Paget disease and frontotemporal dementia. Identifiers: Orphanet 52430, MedGen C1833662, MONDO:0000507.
Frontotemporal dementia and/or amyotrophic lateral sclerosis 6 (FTDALS6). Also called: VCP-Related Amyotrophic Lateral Sclerosis; VCP-Related Amyotrophic Lateral Sclerosis/Frontotemporal Dementia. Identifiers: Orphanet 275872, Orphanet 803, MedGen C5436279, MONDO:0013501, OMIM 613954.
Inborn genetic diseases. Identifiers: MedGen C0950123, MeSH D030342.

Allele frequency attached by ClinVar (database versions not stated): ExAC 0.00001; gnomAD 0.00001; gnomAD exomes 0.00002.
gnomAD v4.1: 29 of 1,613,974 alleles (0.0018%); highest among the groups gnomAD compares: South Asian, 0.011%; no homozygotes.

Submissions (2):

Labcorp Genetics (formerly Invitae), Labcorp
Classification: Uncertain significance for Inclusion body myopathy with Paget disease of bone and frontotemporal dementia; Frontotemporal dementia and/or amyotrophic lateral sclerosis 6. Last evaluated: 2025-01-06. Review status: criteria provided, single submitter. Criteria: Invitae Variant Classification Sherloc (09022015). Collection method: clinical testing. Allele origin: germline.
Comment: This sequence change replaces arginine, which is basic and polar, with histidine, which is basic and polar, at codon 741 of the VCP protein (p.Arg741His). This variant is present in population databases (rs760411781, gnomAD 0.006%). This variant has not been reported in the literature in individuals affected with VCP-related conditions. ClinVar contains an entry for this variant (Variation ID: 1787954). Invitae Evidence Modeling of protein sequence and biophysical properties (such as structural, functional, and spatial information, amino acid conservation, physicochemical variation, residue mobility, and thermodynamic stability) indicates that this missense variant is not expected to disrupt VCP protein function with a negative predictive value of 80%. In summary, the available evidence is currently insufficient to determine the role of this variant in disease. Therefore, it has been classified as a Variant of Uncertain Significance.

Ambry Genetics
Classification: Uncertain significance for Inborn genetic diseases. Last evaluated: 2020-12-29. Review status: criteria provided, single submitter. Criteria: Ambry Variant Classification Scheme 2023. Collection method: clinical testing. Allele origin: germline.
Comment: The p.R741H variant (also known as c.2222G>A), located in coding exon 16 of the VCP gene, results from a G to A substitution at nucleotide position 2222. The arginine at codon 741 is replaced by histidine, an amino acid with highly similar properties. This amino acid position is highly conserved in available vertebrate species. In addition, this alteration is predicted to be deleterious by in silico analysis. Since supporting evidence is limited at this time, the clinical significance of this alteration remains unclear.